The following is an entry in ClinVar:

ClinVar aggregate classification (germline): Uncertain significance (1 of 4 stars; one submission).

Conditions:
Inborn genetic diseases. Identifiers: MedGen C0950123, MeSH D030342.

Allele frequency attached by ClinVar (database versions not stated): TOPMed 0.00001; ExAC 0.00002; gnomAD 0.00002; gnomAD exomes 0.00003; 1000 Genomes Project 30x 0.00016; 1000 Genomes Project 0.00020.
gnomAD v4.1: 44 of 1,614,076 alleles (0.0027%); highest among the groups gnomAD compares: South Asian, 0.0044%; no homozygotes.

Submission:

Ambry Genetics
Classification: Uncertain significance for Inborn genetic diseases. Last evaluated: 2022-12-29. Review status: criteria provided, single submitter. Criteria: Ambry Variant Classification Scheme 2023. Collection method: clinical testing. Allele origin: germline.
Comment: The p.K1015R variant (also known as c.3044A>G), located in coding exon 23 of the LRRK2 gene, results from an A to G substitution at nucleotide position 3044. The lysine at codon 1015 is replaced by arginine, an amino acid with highly similar properties. This amino acid position is conserved. In addition, this alteration is predicted to be tolerated by in silico analysis. Since supporting evidence is limited at this time, the clinical significance of this alteration remains unclear.

NM_198578.4(LRRK2):c.3044A>G (p.Lys1015Arg)

Gene: LRRK2 (leucine rich repeat kinase 2; plus strand). Cytogenetic location: 12q12.
Variant type: single nucleotide variant.
Coding change: c.3044A>G on transcript NM_198578.4 (MANE Select); coding-DNA position 3044, A replaced by G.
Protein change: p.Lys1015Arg; replaces lysine 1015 with arginine.
Molecular consequence: missense variant.
Genome position (GRCh38, 1-based): chr12:40,295,592, A>G. VCF-style: chr12-40295592-A-G. GRCh37 (hg19) VCF-style: chr12-40689394-A-G.
Other names: short protein forms K1015R.
Identifiers: ClinVar variation 2489473 (VCV002489473.2), dbSNP rs549351523, ClinGen allele CA6513815.